The following is an entry in ClinVar:

NM_014856.3(DENND4B):c.4419C>T (p.His1473=)

Gene: DENND4B (DENN domain containing 4B; minus strand). Cytogenetic location: 1q21.3.
Variant type: single nucleotide variant.
Coding change: c.4419C>T on transcript NM_014856.3 (MANE Select); coding-DNA position 4419, C replaced by T.
Protein change: p.His1473=; no amino-acid change (histidine 1473 retained).
Molecular consequence: synonymous variant.
Genome position (GRCh38, 1-based): chr1:153,930,369, G>A on the plus strand (C>T on the coding strand, the complement: DENND4B is on the minus strand). VCF-style: chr1-153930369-G-A. GRCh37 (hg19) VCF-style: chr1-153902845-G-A.
Other names: c.4452C>T, p.His1484= (NM_001367466.1).
Identifiers: ClinVar variation 3034631 (VCV003034631.2), dbSNP rs201674736, ClinGen allele CA1120955.

ClinVar aggregate classification (germline): Likely benign (0 of 4 stars; one submission).

Conditions:
DENND4B-related disorder. Also called: DENND4B-related condition.

Allele frequency attached by ClinVar (database versions not stated): gnomAD exomes 0.00003; TOPMed 0.00016; gnomAD 0.00017; ExAC 0.00030; 1000 Genomes Project 30x 0.00031; 1000 Genomes Project 0.00040.
gnomAD v4.1: 124 of 1,614,050 alleles (0.0077%); highest among the groups gnomAD compares: East Asian, 0.1%; no homozygotes.

Submission:

PreventionGenetics, part of Exact Sciences
Classification: Likely benign for DENND4B-related condition. Last evaluated: 2024-06-05. Review status: no assertion criteria provided. Collection method: clinical testing. Allele origin: germline.
Comment: This variant is classified as likely benign based on ACMG/AMP sequence variant interpretation guidelines (Richards et al. 2015 PMID: 25741868, with internal and published modifications).